The following is an entry in ClinVar:

NM_144599.5(NIPA1):c.502G>A (p.Val168Met)

Gene: NIPA1 (NIPA magnesium transporter 1; plus strand). Cytogenetic location: 15q11.2.
Variant type: single nucleotide variant.
Coding change: c.502G>A on transcript NM_144599.5 (MANE Select); coding-DNA position 502, G replaced by A.
Protein change: p.Val168Met; replaces valine 168 with methionine.
Molecular consequence: missense variant.
Genome position (GRCh38, 1-based): chr15:22,823,751, G>A. VCF-style: chr15-22823751-G-A. GRCh37 (hg19) VCF-style: chr15-23049317-C-T.
Other names: c.502G>A (NM_144599.4); c.277G>A, p.Val93Met (NM_001142275.1); short protein forms V93M, V168M.
Identifiers: ClinVar variation 2187809 (VCV002187809.6), dbSNP rs761465310, ClinGen allele CA7426056.
Genomic context (GRCh38, chr15:22,823,751, plus strand): 5'-GGTGGCTCCGGGTGACTGTGTGCTGTCTGTGTTCCAGTGTTTGTGGGCTACCTGTGCATC[G>A]TGCTGCTCATGCTGCTGCTGCTCATCTTCTGGATCGCGCCGGCCCATGGGCCCACCAACA-3'
Protein context (NP_653200.2, residues 158-178): NPVFVGYLCI[Val168Met]LLMLLLLIFW

ClinVar aggregate classification (germline): Uncertain significance. Review status: criteria provided, multiple submitters, no conflicts (2 of 4 stars). 2 submissions from 2 submitters: Uncertain significance (2). Last evaluated 2025-03-22.

Conditions:
Inborn genetic diseases. Identifiers: MedGen C0950123, MeSH D030342.
Hereditary spastic paraplegia 6 (SPG6). Also called: SPASTIC PARAPLEGIA 6, AUTOSOMAL DOMINANT. Identifiers: Orphanet 100988, MedGen C1838192, MONDO:0010878, OMIM 600363.

Allele frequency attached by ClinVar (database versions not stated): gnomAD exomes 0.00001; ExAC 0.00005; TOPMed 0.00006.
gnomAD v4.1: 14 of 1,610,836 alleles (0.00087%); highest among the groups gnomAD compares: Admixed American, 0.0033%; no homozygotes.

Submissions (2):

Ambry Genetics
Classification: Uncertain significance for Inborn genetic diseases. Last evaluated: 2025-03-22. Review status: criteria provided, single submitter. Criteria: Ambry Variant Classification Scheme 2023. Collection method: clinical testing. Allele origin: germline.

Labcorp Genetics (formerly Invitae), Labcorp
Classification: Uncertain significance for Hereditary spastic paraplegia 6. Last evaluated: 2024-11-05. Review status: criteria provided, single submitter. Criteria: Invitae Variant Classification Sherloc (09022015). Collection method: clinical testing. Allele origin: germline.
Comment: This sequence change replaces valine, which is neutral and non-polar, with methionine, which is neutral and non-polar, at codon 168 of the NIPA1 protein (p.Val168Met). This variant is present in population databases (rs761465310, gnomAD 0.004%). This variant has not been reported in the literature in individuals affected with NIPA1-related conditions. ClinVar contains an entry for this variant (Variation ID: 2187809). Invitae Evidence Modeling of protein sequence and biophysical properties (such as structural, functional, and spatial information, amino acid conservation, physicochemical variation, residue mobility, and thermodynamic stability) indicates that this missense variant is not expected to disrupt NIPA1 protein function with a negative predictive value of 80%. In summary, the available evidence is currently insufficient to determine the role of this variant in disease. Therefore, it has been classified as a Variant of Uncertain Significance.